The following is an entry in ClinVar:

NM_001388492.1(HTT):c.6397G>A (p.Ala2133Thr)

Gene: HTT (huntingtin; plus strand). Cytogenetic location: 4p16.3.
Variant type: single nucleotide variant.
Coding change: c.6397G>A on transcript NM_001388492.1 (MANE Select); coding-DNA position 6397, G replaced by A.
Protein change: p.Ala2133Thr; replaces alanine 2133 with threonine.
Molecular consequence: missense variant.
Genome position (GRCh38, 1-based): chr4:3,209,932, G>A. VCF-style: chr4-3209932-G-A. GRCh37 (hg19) VCF-style: chr4-3211659-G-A.
Other names: c.6403G>A, p.Ala2135Thr (NM_002111.8); short protein forms A2133T, A2135T.
Identifiers: ClinVar variation 1513460 (VCV001513460.6), dbSNP rs755514662, ClinGen allele CA2825022.

ClinVar aggregate classification (germline): Uncertain significance (1 of 4 stars; one submission).

Allele frequency attached by ClinVar (database versions not stated): gnomAD 0.00001; gnomAD exomes 0.00001; ExAC 0.00002.
gnomAD v4.1: 10 of 1,613,914 alleles (0.00062%); highest among the groups gnomAD compares: Middle Eastern, 0.016%; no homozygotes.

Submission:

Labcorp Genetics (formerly Invitae), Labcorp
Classification: Uncertain significance. Last evaluated: 2022-10-17. Review status: criteria provided, single submitter. Criteria: Invitae Variant Classification Sherloc (09022015). Collection method: clinical testing. Allele origin: germline.
Comment: This sequence change replaces alanine, which is neutral and non-polar, with threonine, which is neutral and polar, at codon 2135 of the HTT protein (p.Ala2135Thr). In summary, the available evidence is currently insufficient to determine the role of this variant in disease. Therefore, it has been classified as a Variant of Uncertain Significance. Experimental studies and prediction algorithms are not available or were not evaluated, and the functional significance of this variant is currently unknown. ClinVar contains an entry for this variant (Variation ID: 1513460). This variant has not been reported in the literature in individuals affected with HTT-related conditions. This variant is present in population databases (rs755514662, gnomAD 0.006%).